The following is an entry in ClinVar:

ClinVar aggregate classification (germline): Uncertain significance (1 of 4 stars; one submission).

Submission:

Women's Health and Genetics/Laboratory Corporation of America, LabCorp
Classification: Uncertain significance. Last evaluated: 2026-05-05. Review status: criteria provided, single submitter. Criteria: LabCorp Variant Classification Summary - May 2015. Collection method: clinical testing. Allele origin: germline.
Comment: Variant summary: AUTS2 c.660+101516_661-145247del is located at a position not widely known to affect splicing. The variant was absent in 21090 control chromosomes. The available data on variant occurrences in the general population are insufficient to allow any conclusion about variant significance. To our knowledge, no occurrence of c.660+101516_661-145247del in individuals affected with AUTS2-related conditions and no experimental evidence demonstrating its impact on protein function have been reported. No submitters have cited clinical-significance assessments for this variant to ClinVar. However, overlapping CNVs have been reported in ClinVar (e.g. chr7:69723512-69791423del, chr7:69697229-69729484del). Based on the evidence outlined above, the variant was classified as uncertain significance.

NM_015570.4:c.660+101516_661-145247del

Gene: AUTS2 (activator of transcription and developmental regulator AUTS2; plus strand).
Variant type: Deletion.
Other names: c.660+101516_661-145247del (NM_015570.4).
Identifiers: ClinVar variation 4853554 (VCV004853554.1).